The following is an entry in ClinVar:

ClinVar aggregate classification (germline): Pathogenic/Likely pathogenic. Review status: criteria provided, multiple submitters, no conflicts (2 of 4 stars). 14 submissions from 14 submitters: Pathogenic (5); Likely pathogenic (8). 1 of the submissions does not count toward it. Last evaluated 2026-07-16.

Conditions:
CFTR-related disorder (CFTR-RD). Also called: CFTR-related condition; CFTR-related disorders. Identifiers: MedGen C5924204, MONDO:7770004.
Bronchiectasis with or without elevated sweat chloride 1 (BESC1). Also called: Cystic Fibrosis-Like Syndrome. Identifiers: Orphanet 60033, MedGen C2749757, MONDO:0008887, OMIM 211400.
Congenital bilateral aplasia of vas deferens from CFTR mutation (CBAVD). Identifiers: Orphanet 48, MedGen C0403814, MONDO:0010178, OMIM 277180. Disease mechanism: loss of function.
Cystic fibrosis (CF). Also called: MUCOVISCIDOSIS. Identifiers: Orphanet 586, MedGen C0010674, MONDO:0009061, OMIM 219700. Disease mechanism: loss of function.

Allele frequency attached by ClinVar (database versions not stated): TOPMed 0.00004.
gnomAD v4.1: 85 of 1,613,576 alleles (0.0053%); highest among the groups gnomAD compares: Non-Finnish European, 0.0069%; no homozygotes.

Submissions 1 to 6 of 14:

PreventionGenetics, part of Exact Sciences
Classification: Likely pathogenic for CFTR-related condition. Last evaluated: 2026-07-16. Review status: criteria provided, single submitter. Criteria: ACMG Guidelines, 2015. Collection method: clinical testing. Allele origin: germline.
Comment: The CFTR c.349C>G variant is predicted to result in the amino acid substitution p.Arg117Gly. This variant has been reported, along with a second pathogenic CFTR variant, in individuals with cystic fibrosis and is listed in the CFTR2 database as a variant of varying clinical consequence (Table E8, Desai et al. 2018. PubMed ID: 29944384; Table E3, McCague et al. 2019. PubMed ID: 30888834). This variant has also been reported in the heterozygous state in an individual with congenital bilateral absence of the vas deferens (Daudin et al. 2000. PubMed ID: 11119745) and an individual with chronic pancreatitis (Masson et al. 2013. PubMed ID: 23951356). In vitro functional studies show this variant reduces CFTR function to ~35% compared to control (Raraigh et al. 2018. PubMed ID: 29805046). This variant is reported in 0.0039% of alleles in individuals of European (Non-Finnish) descent in gnomAD. Taken together, this variant is interpreted as likely pathogenic.

Labcorp Genetics (formerly Invitae), Labcorp
Classification: Likely pathogenic for Cystic fibrosis. Last evaluated: 2026-01-28. Review status: criteria provided, single submitter. Criteria: Invitae Variant Classification Sherloc (09022015). Collection method: clinical testing. Allele origin: germline.
Comment: This sequence change replaces arginine, which is basic and polar, with glycine, which is neutral and non-polar, at codon 117 of the CFTR protein (p.Arg117Gly). This variant is present in population databases (rs77834169, gnomAD 0.004%). This missense change has been observed in individuals with clinical symptoms of CFTR-related conditions (PMID: 11119745, 29805046, 29944384, 30888834). ClinVar contains an entry for this variant (Variation ID: 53762). Invitae Evidence Modeling of protein sequence and biophysical properties (such as structural, functional, and spatial information, amino acid conservation, physicochemical variation, residue mobility, and thermodynamic stability) indicates that this missense variant is expected to disrupt CFTR protein function with a positive predictive value of 80%. Experimental studies have shown that this missense change affects CFTR function (PMID: 29805046). This variant disrupts the p.Arg117 amino acid residue in CFTR. Other variant(s) that disrupt this residue have been determined to be pathogenic (PMID: 7525450, 7529962, 11788090, 15482777, 21520337, 21783433, 22658665, 23974870, 24586523). This suggests that this residue is clinically significant, and that variants that disrupt this residue are likely to be disease-causing. In summary, the currently available evidence indicates that the variant is pathogenic, but additional data are needed to prove that conclusively. Therefore, this variant has been classified as Likely Pathogenic.

Natera, Inc.
Classification: Likely pathogenic for CFTR-related disorders. Last evaluated: 2025-09-09. Review status: criteria provided, single submitter. Criteria: Natera Variant Classification Schema (03/2026). Collection method: clinical testing. Allele origin: germline.
Comment: The c.349C>G variant in CFTR is a missense variant predicted to cause substitution of arginine to glycine at amino acid 117. This variant is rare in the general population with a frequency below the threshold expected for the associated phenotype(s). This variant has been observed in one or more individuals affected with the associated recessive disease, as either homozygous or compound heterozygous with a second variant (PMID: 30888834, 29944384). Functional studies show that this variant may disrupt protein function (PMID: 38388235). A different variant at the same position has been determined to be Pathogenic or Likely Pathogenic. Computational prediction algorithms indicate this variant is likely to affect gene or protein function. Given the available evidence, this variant is classified as Likely Pathogenic.

Ambry Genetics
Classification: Pathogenic for Cystic fibrosis. Last evaluated: 2025-07-31. Review status: criteria provided, single submitter. Criteria: Ambry Variant Classification Scheme 2023. Collection method: clinical testing. Allele origin: germline.
Comment: The p.R117G pathogenic mutation (also known as c.349C>G), located in coding exon 4 of the CFTR gene, results from a C to G substitution at nucleotide position 349. The arginine at codon 117 is replaced by glycine, an amino acid with dissimilar properties. The variant has been reported as a variant of varying clinical consequences (VVCC) (Sosnay PR et al. Pediatr. Clin. North Am., 2016 08;63:585-98; The Clinical and Functional TRanslation of CFTR (CFTR2); available at CFTR2. Accessed November 14, 2018). In addition, this variant was observed in conjunction with p.N34S in the SPINK1 gene in an individual with idiopathic pancreatitis (Masson E et al. PLoS ONE. 2013; 8(8):e73522). In an in vitro study, the R117G protein had 35% of normal CFTR function (Raraigh KS et al. Am. J. Hum. Genet., 2018 Jun;102:1062-1077). Based on internal structural analysis, this variant is more disruptive than known pathogenic variants at the same position and in the same region (Liu F et al. Cell, 2017 03;169:85-95.e8). Other variant(s) at the same codon, p.R117H and p.R117C, have been identified in individuals diagnosed with cystic fibrosis (Thauvin-Robinet C et al. J. Med. Genet., 2013 Apr;50:220-7; Sosnay PR et al. Nat. Genet., 2013 Oct;45:1160-7). This amino acid position is highly conserved in available vertebrate species. In addition, this alteration is predicted to be deleterious by in silico analysis. Based on available evidence to date, this variant has not been reported as causative of classic CF; however, it may contribute to the development of a CFTR-related disorder and is thus classified as a disease-causing mutation.

Women's Health and Genetics/Laboratory Corporation of America, LabCorp
Classification: Pathogenic for Cystic fibrosis. Last evaluated: 2024-12-11. Review status: criteria provided, single submitter. Criteria: LabCorp Variant Classification Summary - May 2015. Collection method: clinical testing. Allele origin: germline.
Comment: Variant summary: CFTR c.349C>G (p.Arg117Gly) results in a non-conservative amino acid change located in the ABC transporter type 1, transmembrane domain (IPR011527) of the encoded protein sequence. Five of five in-silico tools predict a damaging effect of the variant on protein function. The variant allele was found at a frequency of 2e-05 in 250944 control chromosomes. c.349C>G has been reported been reported in the CFTR2 database in affected individuals and has been described as having variable clinical consequences. It has been reported in the literature in multiple compound heterozygous individuals affected with Cystic Fibrosis (Desai_2018, McCague_2019) as well as in individuals with pancreatitis (e.g., Masson_2013) and congenital bilateral absence of the vas deferens (e.g., Daudin_2000). These data indicate that the variant is very likely to be associated with disease. Att least two publications report experimental evidence evaluating an impact on protein function (e.g. Raraigh_2018, Bihler_2024). The most pronounced variant effect resulted in approximately 23% of normal chloride channel conductance relative to wild type (Bihler_2024). Additionally, different variants affecting the same codon have been classified as pathogenic by our lab (c.349C>T, p.Arg117Cys and c.350G>A, p.Arg117His), supporting the critical relevance of codon 117 to CFTR protein function. The following publications have been ascertained in the context of this evaluation (PMID: 11119745, 29944384, 33922413, 20706124, 23951356, 30888834, 29805046, 38388235). ClinVar contains an entry for this variant (Variation ID: 53762). Based on the evidence outlined above, the variant was classified as pathogenic.

Quest Diagnostics Nichols Institute San Juan Capistrano
Classification: Likely pathogenic. Last evaluated: 2024-06-26. Review status: criteria provided, single submitter. Criteria: Quest Diagnostics criteria. Collection method: clinical testing. Allele origin: unknown.
Comment: The CFTR c.349C>G (p.Arg117Gly) variant has been reported as a variant of varying clinical consequences (VVCC) (PMID: 36409994 (2022) and CFTR2). This variant has been observed in individuals with clinical symptoms of CFTR-related conditions (PMIDs: 29944384 (2018)) and 30888834 (2019)) including individuals with pancreatitis (PMIDs: 18687795 (2008) and 23951356 (2013)) and congenital bilateral absence of the vas deferens (PMIDs: 11119745 (2000) and 10923036 (2000)). Experimental studies have indicated that the variant has reduced CFTR activity compared to the wild type CFTR, however the effect is still inconclusive (PMIDs: 29805046 (2018), 30888834 (2019), and 38388235 (2024)). In addition, other pathogenic variants have been reported at the same positions, including p.R117H and p.R117C (PMIDs: 19880712 (2009) and 23974870 (2013)). The frequency of this variant in the general population, 0.000039 (5/128904 chromosomes (Genome Aggregation Database)), is uninformative in the assessment of its pathogenicity. ClinVar contains an entry for this variant (URL:, Variation ID: 53762). Based on the available information, this variant is classified as likely pathogenic.

NM_000492.4(CFTR):c.349C>G (p.Arg117Gly)

Gene: CFTR (CF transmembrane conductance regulator; plus strand). Cytogenetic location: 7q31.2.
Variant type: single nucleotide variant.
Coding change: c.349C>G on transcript NM_000492.4 (MANE Select); coding-DNA position 349, C replaced by G.
Protein change: p.Arg117Gly; replaces arginine 117 with glycine.
Molecular consequence: missense variant.
Genome position (GRCh38, 1-based): chr7:117,530,974, C>G. VCF-style: chr7-117530974-C-G. GRCh37 (hg19) VCF-style: chr7-117171028-C-G.
Other names: short protein forms R117G.
Identifiers: ClinVar variation 53762 (VCV000053762.36), dbSNP rs77834169, ClinGen allele CA327217.